The following is an entry in ClinVar:

ClinVar aggregate classification (germline): Pathogenic (1 of 4 stars; one submission).

Conditions:
Primary ciliary dyskinesia. Also called: Ciliary dyskinesia. Identifiers: Orphanet 244, MedGen C0008780, MONDO:0016575, HP:0012265.

Submission:

Labcorp Genetics (formerly Invitae), Labcorp
Classification: Pathogenic for Primary ciliary dyskinesia. Last evaluated: 2025-05-28. Review status: criteria provided, single submitter. Criteria: Invitae Variant Classification Sherloc (09022015). Collection method: clinical testing. Allele origin: germline.
Comment: This sequence change inserts a large fragment of DNA, likely a transposable element, in exon 74 of the DNAH5 gene (c.12792_12793ins?), causing a frameshift at codon 4265 (p.Asn4265fs). The exact size and sequence of the insertion cannot be determined by the current assay. However, the insertion is expected to result in an absent or disrupted protein product. This variant is not present in population databases (gnomAD no frequency). This variant has not been reported in the literature in individuals affected with DNAH5-related conditions. Retrotransposon insertions including LINE1 (L1), Alu, and SVA (SINE-VNTR-Alu) have been reported to be disease-causing through disruption of either a coding region or splice site (PMID: 19763152, 20307669, 22406018) and loss-of-function variants in DNAH5 are known to be pathogenic (PMID: 11788826, 16627867). For these reasons, this variant has been classified as Pathogenic.

Literature cited by the submitters: PubMed 19763152; PubMed 20307669; PubMed 22406018; PubMed 11788826; PubMed 16627867.

NM_001369.3(DNAH5):c.12792_12793insGGGGAGGAGCCAAGATGGCCGAATAGGAACAGCTCAGGTCTACAGCTCCCAGCGTGAGCGACGCAGGAGACGGTGATNNNNNNNNNNAAAAAAAAAAAAAAAAAAAAAAGAGATTGTTG (p.Asn4265delinsGlyGluGluProArgTrpProAsnArgAsnSerSerGlyLeuGlnLeuProAlaTer)

Gene: DNAH5 (dynein axonemal heavy chain 5; minus strand). Cytogenetic location: 5p15.2.
Variant type: Microsatellite.
Coding change: c.12792_12793insGGGGAGGAGCCAAGATGGCCGAATAGGAACAGCTCAGGTCTACAGCTCCCAGCGTGAGCGACGCAGGAGACGGTGATNNNNNNNNNNAAAAAAAAAAAAAAAAAAAAAAGAGATTGTTG on transcript NM_001369.3 (MANE Select); coding-DNA positions 12792 to 12793, GGGGAGGAGCCAAGATGGCCGAATAGGAACAGCTCAGGTCTACAGCTCCCAGCGTGAGCGACGCAGGAGACGGTGATNNNNNNNNNNAAAAAAAAAAAAAAAAAAAAAAGAGATTGTTG inserted.
Protein change: p.Asn4265delinsGlyGluGluProArgTrpProAsnArgAsnSerSerGlyLeuGlnLeuProAlaTer.
Molecular consequence: nonsense.
Genome position: GRCh38: chr5:13,716,604-13,716,615. GRCh37 (hg19), VCF-style position (the base before the change): chr5:13,716,712.
Identifiers: ClinVar variation 4720387 (VCV004720387.1).